The following is an entry in ClinVar:

NC_000012.11:g.(?_58185728)_(58186876_?)del

Gene: TSFM (Ts translation elongation factor, mitochondrial; plus strand). Cytogenetic location: 12q14.1.
Variant type: Deletion.
Identifiers: ClinVar variation 2423923 (VCV002423923.1).

ClinVar aggregate classification (germline): Pathogenic (1 of 4 stars; one submission).

Submission:

Labcorp Genetics (formerly Invitae), Labcorp
Classification: Pathogenic. Last evaluated: 2022-09-10. Review status: criteria provided, single submitter. Criteria: Invitae Variant Classification Sherloc (09022015). Collection method: clinical testing. Allele origin: germline.
Comment: This variant is a gross deletion of the genomic region encompassing exon(s) 5-6 of the TSFM gene. While this deletion is not anticipated to lead to nonsense mediated decay, it is expected to disrupt the C-terminus of the protein. This variant has not been reported in the literature in individuals affected with TSFM-related conditions. This variant disrupts a region of the TSFM protein in which other variant(s) (p.Gln324Argfs*11) have been determined to be pathogenic (Invitae). This suggests that this is a clinically significant region of the protein, and that variants that disrupt it are likely to be disease-causing. For these reasons, this variant has been classified as Pathogenic.